The following is an entry in ClinVar:

ClinVar aggregate classification (germline): Uncertain significance (1 of 4 stars; one submission).

Conditions:
Familial focal epilepsy with variable foci (FPEVF). Identifiers: Orphanet 98820, MedGen C1858477, MONDO:0020310.

Allele frequency attached by ClinVar (database versions not stated): gnomAD exomes below 0.00001; gnomAD 0.00001; ExAC 0.00002; 1000 Genomes Project 0.00020; 1000 Genomes Project 30x 0.00031.
gnomAD v4.1: 6 of 1,613,608 alleles (0.00037%); highest among the groups gnomAD compares: Admixed American, 0.005%; no homozygotes.

Submission:

Labcorp Genetics (formerly Invitae), Labcorp
Classification: Uncertain significance for Familial focal epilepsy with variable foci. Last evaluated: 2025-03-05. Review status: criteria provided, single submitter. Criteria: Invitae Variant Classification Sherloc (09022015). Collection method: clinical testing. Allele origin: germline.
Comment: This sequence change replaces histidine, which is basic and polar, with arginine, which is basic and polar, at codon 664 of the DEPDC5 protein (p.His664Arg). This variant is present in population databases (rs201618068, gnomAD 0.006%). This variant has not been reported in the literature in individuals affected with DEPDC5-related conditions. ClinVar contains an entry for this variant (Variation ID: 1981414). Experimental studies and prediction algorithms are not available or were not evaluated, and the functional significance of this variant is currently unknown. In summary, the available evidence is currently insufficient to determine the role of this variant in disease. Therefore, it has been classified as a Variant of Uncertain Significance.

NM_001242896.3(DEPDC5):c.1991A>G (p.His664Arg)

Gene: DEPDC5 (DEP domain containing 5, GATOR1 subcomplex subunit; plus strand). Cytogenetic location: 22q12.3.
Variant type: single nucleotide variant.
Coding change: c.1991A>G on transcript NM_001242896.3 (MANE Select); coding-DNA position 1991, A replaced by G.
Protein change: p.His664Arg; replaces histidine 664 with arginine.
Molecular consequence: missense variant. On other transcripts: non-coding transcript variant (4), intron variant (3).
Genome position (GRCh38, 1-based): chr22:31,821,622, A>G. VCF-style: chr22-31821622-A-G. GRCh37 (hg19) VCF-style: chr22-32217608-A-G.
Other names: c.1991A>G, p.His664Arg (NM_001136029.4, NM_001363852.2, NM_001364318.2 and 3 more transcripts); c.1907A>G, p.His636Arg (NM_001369901.1, NM_001369902.1); c.1870+2397A>G (NM_001363854.2, NM_001242897.2, NM_001364319.2); short protein forms H636R, H664R.
Identifiers: ClinVar variation 1981414 (VCV001981414.4), dbSNP rs201618068, ClinGen allele CA10196520.
Genomic context (GRCh38, chr22:31,821,622, plus strand): 5'-AAGGCAGCGGGCAGAGGGATCCAACTCACTCCTCTGCAGAGCTGCTGGAGTTAGCATATC[A>G]TGAAGCTGCTGGAAGGTGAGGATGTGCACAGGGCTCTGGAAGGTAACCTGAGAACACTCT-3'
Protein context (NP_001229825.1, residues 654-674): SSAELLELAY[His664Arg]EAAGRHSNSR